The following is an entry in ClinVar:

ClinVar aggregate classification (germline): Uncertain significance (1 of 4 stars; one submission).

gnomAD v4.1: 1 of 1,611,494 alleles (0.000062%); highest among the groups gnomAD compares: South Asian, 0.0011%; no homozygotes.

Submission:

Labcorp Genetics (formerly Invitae), Labcorp
Classification: Uncertain significance. Last evaluated: 2022-05-28. Review status: criteria provided, single submitter. Criteria: Invitae Variant Classification Sherloc (09022015). Collection method: clinical testing. Allele origin: germline.
Comment: In summary, the available evidence is currently insufficient to determine the role of this variant in disease. Therefore, it has been classified as a Variant of Uncertain Significance. Algorithms developed to predict the effect of missense changes on protein structure and function (SIFT, PolyPhen-2, Align-GVGD) all suggest that this variant is likely to be tolerated. This variant has not been reported in the literature in individuals affected with TUB-related conditions. This variant is not present in population databases (gnomAD no frequency). This sequence change replaces glycine, which is neutral and non-polar, with valine, which is neutral and non-polar, at codon 228 of the TUB protein (p.Gly228Val).

NM_177972.3(TUB):c.518G>T (p.Gly173Val)

Genes: RIC3 (RIC3 acetylcholine receptor chaperone; minus strand), TUB (TUB bipartite transcription factor; plus strand). Cytogenetic location: 11p15.4.
Variant type: single nucleotide variant.
Coding change: c.518G>T on transcript NM_177972.3 (MANE Select); coding-DNA position 518, G replaced by T.
Protein change: p.Gly173Val; replaces glycine 173 with valine.
Molecular consequence: missense variant.
Genome position (GRCh38, 1-based): chr11:8,095,618, G>T. VCF-style: chr11-8095618-G-T. GRCh37 (hg19) VCF-style: chr11-8117165-G-T.
Other names: c.683G>T, p.Gly228Val (NM_003320.5); short protein forms G228V, G173V.
Identifiers: ClinVar variation 2096660 (VCV002096660.4), dbSNP rs1359444522, ClinGen allele CA379566508.
Genomic context (GRCh38, chr11:8,095,618, plus strand): 5'-TTCTGACTGTGGGCCAGTCAGACCACGCCCAGGACGCAGGGGAGACGGCAGCTGGTGGGG[G>T]CGAACGGCCCAGCGGGCAGGATCTCCGTGCCACGATGCAGAGGAAGGGTGAGCCCCATGG-3'
Protein context (NP_813977.1, residues 163-183): QDAGETAAGG[Gly173Val]ERPSGQDLRA